The following is an entry in ClinVar:

ClinVar aggregate classification (germline): Pathogenic. Review status: criteria provided, multiple submitters, no conflicts (2 of 4 stars). 11 submissions from 11 submitters: Pathogenic (10). 1 of the submissions does not count toward it. Last evaluated 2026-03-27.

Conditions:
Neoplasm of uterus. Also called: Uterine neoplasm; Tumor of uterus. Identifiers: MedGen C0042138, MONDO:0021353, HP:0010784.
Family history of cancer. Identifiers: MedGen C0260515, HP:0032317.
Breast-ovarian cancer, familial, susceptibility to, 5 (BROVCA5). Identifiers: MedGen C5830615, MONDO:0957530, OMIM 620442.
Familial cancer of breast. Also called: BREAST CANCER, FAMILIAL; hereditary breast carcinoma; Hereditary breast cancer. Identifiers: Orphanet 227535, MedGen C0346153, MONDO:0016419, OMIM 114480. Disease mechanism: loss of function.
Malignant tumor of breast. Also called: Malignant breast neoplasm; Cancer breast. Identifiers: MedGen C0006142, MONDO:0007254. Disease mechanism: loss of function.
Hereditary cancer-predisposing syndrome. Also called: Tumor predisposition; Hereditary neoplastic syndrome; Neoplastic Syndromes, Hereditary; Hereditary Cancer Syndrome. Identifiers: Orphanet 140162, MedGen C0027672, MeSH D009386, MONDO:0015356.

Allele frequency attached by ClinVar (database versions not stated): gnomAD exomes below 0.00001.

Submissions (11):

Dasa
Classification: Pathogenic for Breast-ovarian cancer, familial, susceptibility to, 5. Last evaluated: 2026-03-27. Review status: criteria provided, single submitter. Criteria: DASA Assertion Criteria. Collection method: clinical testing. Allele origin: germline.
Comment: NM_024675.4(PALB2):c.1192del (p.Val398Cysfs*26) is a frameshift variant in PALB2 predicted to alter the reading frame and introduce a premature termination codon and is predicted to result in an absent or altered protein product. Loss of function is an established disease mechanism for PALB2 (PMID: 17200668; PMID: 25099575; PMID: 31841383). The affected residue or protein region has prior evidence supporting clinical relevance. Also, this variant is absent from population databases. Based on the currently available evidence, this variant is classified as pathogenic.

Molecular Diagnostics Laboratory, Catalan Institute of Oncology
Classification: Pathogenic for Hereditary cancer-predisposing syndrome. Last evaluated: 2025-05-07. Review status: criteria provided, single submitter. Criteria: ClinGen ACMG Specifications PALB2 V1.1.0. Collection method: clinical testing. Allele origin: germline.
Comment: PVS1, PM2_Supporting, PM5_Supporting c.1192del, located in exon 4 of the PALB2 gene, consists in the deletion of a nucleotide, causing a translational frameshift with a predicted alternate stop codon (p.(Val398CysfsTer26)). This alteration is expected to result in loss of function by premature protein truncation before codon 1101 (PVS1). Frameshift variant with premature termination codon upstream codon 1183 (PM5_supporting). It is not present in the population database gnomAD v2.1.1, non-cancer dataset (PM2_Supporting). The SpliceAI algorithm predicts no significant impact on splicing. This variant has been reported in the ClinVar database (9x pathogenic) and has not been reported in the LOVD. To our knowledge, neither relevant clinical data nor well-established functional studies have been reported for this variant. Based on currently available information, the variant c.1192del should be considered a pathogenic variant according to the ClinGen Hereditary Breast, Ovarian and Pancreatic Cancer Expert Panel Specifications to the ACMG/AMP Variant Interpretation Guidelines for PALB2 Version 1.1.0.

Labcorp Genetics (formerly Invitae), Labcorp
Classification: Pathogenic for Familial cancer of breast. Last evaluated: 2024-12-19. Review status: criteria provided, single submitter. Criteria: Invitae Variant Classification Sherloc (09022015). Collection method: clinical testing. Allele origin: germline.
Comment: This sequence change creates a premature translational stop signal (p.Val398Cysfs*26) in the PALB2 gene. It is expected to result in an absent or disrupted protein product. Loss-of-function variants in PALB2 are known to be pathogenic (PMID: 17200668, 17200671, 17200672, 24136930, 25099575). This variant is not present in population databases (gnomAD no frequency). This premature translational stop signal has been observed in individual(s) with breast cancer (PMID: 27553368). ClinVar contains an entry for this variant (Variation ID: 484161). For these reasons, this variant has been classified as Pathogenic.

Myriad Genetics, Inc.
Classification: Pathogenic for Familial cancer of breast. Last evaluated: 2023-09-08. Review status: criteria provided, single submitter. Criteria: Myriad Autosomal Dominant, Autosomal Recessive and X-Linked Classification Criteria (2023). Collection method: clinical testing. Allele origin: unknown.
Comment: This variant is considered pathogenic. This variant creates a frameshift predicted to result in premature protein truncation.

Ambry Genetics
Classification: Pathogenic for Hereditary cancer-predisposing syndrome. Last evaluated: 2022-06-24. Review status: criteria provided, single submitter. Criteria: Ambry Variant Classification Scheme 2023. Collection method: clinical testing. Allele origin: germline.
Comment: The c.1192delG pathogenic mutation, located in coding exon 4 of the PALB2 gene, results from a deletion of one nucleotide at nucleotide position 1192, causing a translational frameshift with a predicted alternate stop codon (p.V398Cfs*26). This alteration is expected to result in loss of function by premature protein truncation or nonsense-mediated mRNA decay. As such, this alteration is interpreted as a disease-causing mutation.

Baylor Genetics
Classification: Pathogenic for Familial cancer of breast. Last evaluated: 2022-02-21. Review status: criteria provided, single submitter. Criteria: ACMG Guidelines, 2015. Collection method: clinical testing. Allele origin: unknown.

GeneDx
Classification: Pathogenic. Last evaluated: 2022-02-11. Review status: criteria provided, single submitter. Criteria: GeneDx Variant Classification Process June 2021. Collection method: clinical testing. Allele origin: germline. Affected: yes.
Comment: Frameshift variant predicted to result in protein truncation or nonsense mediated decay in a gene for which loss-of-function is a known mechanism of disease; Not observed at significant frequency in large population cohorts (gnomAD); This variant is associated with the following publications: (PMID: 33084842, 27553368)

Laboratorio de Genetica e Diagnostico Molecular, Hospital Israelita Albert Einstein
Classification: Pathogenic for Neoplasm of uterus; Family history of cancer. Last evaluated: 2021-07-06. Review status: criteria provided, single submitter. Criteria: ACMG Guidelines, 2015. Collection method: clinical testing. Allele origin: germline. Affected: yes.
Comment: ACMG classification criteria: PVS1 very strong, PS4 supporting, PM2 moderate

Color Diagnostics, LLC DBA Color Health
Classification: Pathogenic for Hereditary cancer-predisposing syndrome. Last evaluated: 2021-06-23. Review status: criteria provided, single submitter. Criteria: ACMG Guidelines, 2015. Collection method: clinical testing. Allele origin: germline.
Comment: This variant deletes 1 nucleotide in exon 4 of the PALB2 gene, creating a frameshift and premature translation stop signal. This variant is expected to result in an absent or non-functional protein product. To our knowledge, functional studies have not been reported for this variant. This variant has been reported in an individual affected with breast cancer (PMID: 27553368). This variant has not been identified in the general population by the Genome Aggregation Database (gnomAD). Loss of PALB2 function is a known mechanism of disease. Based on the available evidence, this variant is classified as Pathogenic.

Mendelics
Classification: Pathogenic for Familial cancer of breast. Last evaluated: 2019-05-28. Review status: criteria provided, single submitter. Criteria: Mendelics Assertion Criteria 2017. Collection method: clinical testing. Allele origin: unknown.

Department of Pathology and Laboratory Medicine, Sinai Health System
Classification: Pathogenic for Malignant tumor of breast. Review status: no assertion criteria provided. Collection method: clinical testing. Allele origin: unknown. Affected: yes. Study: The Canadian Open Genetics Repository (COGR). Not counted in ClinVar's aggregate classification.
Comment: The PALB2 p.Val398CysfsX26 variant was not identified in the literature nor was it identified in the dbSNP, ClinVar, Cosmic, MutDB, LOVD 3.0, Zhejiang Colon Cancer Database, databases. The variant was not identified in the 1000 Genomes Project, the NHLBI GO Exome Sequencing Project or the Exome Aggregation Consortium (August 8th 2016) control databases. The c.1192del variant is predicted to cause a frameshift, which alters the protein's amino acid sequence beginning at codon 398 and leads to a premature stop codon 26 codons downstream. This alteration is then predicted to result in a truncated or absent protein and loss of function. Loss of function variants of the PALB2 gene are an established mechanism of disease in PALB2-associated breast cancer and is the type of variant expected to cause the disorder. In addition, the deleterious nature of this variant has been reported by another reliable source (Myriad). In summary, based on the above information, this variant meets our laboratoryâ€šÃ„Ã´s criteria to be classified as pathogenic.

Literature cited by the submitters: PubMed 17200668 (cited by Dasa and Labcorp Genetics (formerly Invitae), Labcorp); PubMed 25099575 (cited by Dasa and Labcorp Genetics (formerly Invitae), Labcorp); PubMed 31841383 (cited by Dasa); PubMed 17200671 (cited by Labcorp Genetics (formerly Invitae), Labcorp); PubMed 17200672 (cited by Labcorp Genetics (formerly Invitae), Labcorp); PubMed 24136930 (cited by Labcorp Genetics (formerly Invitae), Labcorp); PubMed 27553368 (cited by Labcorp Genetics (formerly Invitae), Labcorp).

NM_024675.4(PALB2):c.1192del (p.Val398fs)

Gene: PALB2 (partner and localizer of BRCA2; minus strand). Cytogenetic location: 16p12.2.
Variant type: Deletion.
Coding change: c.1192del on transcript NM_024675.4 (MANE Select); coding-DNA position 1192, one base deleted (G; older notation c.1192delG).
Protein change: p.Val398fs; shifts the reading frame from valine 398.
Molecular consequence: frameshift variant.
Genome position (GRCh38, 1-based): chr16:23,635,354, C deleted on the plus strand (G on the coding strand, the reverse complement: PALB2 is on the minus strand). VCF-style (leftmost placement, unchanged base first): chr16-23635353-AC-A. GRCh37 (hg19) VCF-style: chr16-23646674-AC-A.
Other names: c.1192delG (NM_024675.3, NM_024675.4); short protein forms V398fs.
Identifiers: ClinVar variation 484161 (VCV000484161.30), dbSNP rs1555461407, ClinGen allele CA658658427.
Genomic context (GRCh38, chr16:23,635,353, plus strand): 5'-TTGGACATGCTTCGTGTTGTTCTAACATAATATTCTGCAGGAAACAGAAGGCCTTCAGGC[AC>A]TGTGCAAGAATGTTTTTCTGCAGAAAGAGGAGAGGTTGCTTCCAGGCTAAGACTCTTAGG-3'